The following is an entry in ClinVar:

ClinVar aggregate classification (germline): Uncertain significance (1 of 4 stars; one submission).

Conditions:
Dystonia 12 (DYT12). Also called: Rapid-Onset Dystonia-Parkinsonism (RDP); DYT-ATP1A3. Identifiers: Orphanet 71517, MedGen C1868681, MONDO:0007496, OMIM 128235.

Submission:

Labcorp Genetics (formerly Invitae), Labcorp
Classification: Uncertain significance for Dystonia 12. Last evaluated: 2024-09-05. Review status: criteria provided, single submitter. Criteria: Invitae Variant Classification Sherloc (09022015). Collection method: clinical testing. Allele origin: germline.
Comment: This sequence change replaces lysine, which is basic and polar, with asparagine, which is neutral and polar, at codon 1009 of the ATP1A3 protein (p.Lys1009Asn). This variant is not present in population databases (gnomAD no frequency). This variant has not been reported in the literature in individuals affected with ATP1A3-related conditions. ClinVar contains an entry for this variant (Variation ID: 1969384). Invitae Evidence Modeling of protein sequence and biophysical properties (such as structural, functional, and spatial information, amino acid conservation, physicochemical variation, residue mobility, and thermodynamic stability) has been performed for this missense variant. However, the output from this modeling did not meet the statistical confidence thresholds required to predict the impact of this variant on ATP1A3 protein function. In summary, the available evidence is currently insufficient to determine the role of this variant in disease. Therefore, it has been classified as a Variant of Uncertain Significance.

NM_152296.5(ATP1A3):c.3027G>T (p.Lys1009Asn)

Gene: ATP1A3 (ATPase Na+/K+ transporting subunit alpha 3; minus strand). Cytogenetic location: 19q13.2.
Variant type: single nucleotide variant.
Coding change: c.3027G>T on transcript NM_152296.5 (MANE Select); coding-DNA position 3027, G replaced by T.
Protein change: p.Lys1009Asn; replaces lysine 1009 with asparagine.
Molecular consequence: missense variant.
Genome position (GRCh38, 1-based): chr19:41,966,952, C>A on the plus strand (G>T on the coding strand, the complement: ATP1A3 is on the minus strand). VCF-style: chr19-41966952-C-A. GRCh37 (hg19) VCF-style: chr19-42471104-C-A.
Other names: c.3060G>T, p.Lys1020Asn (NM_001256213.2); c.3066G>T, p.Lys1022Asn (NM_001256214.2); short protein forms K1009N, K1020N, K1022N.
Identifiers: ClinVar variation 1969384 (VCV001969384.5), dbSNP rs2514022233, ClinGen allele CA406034824.